The following is an entry in ClinVar:

ClinVar aggregate classification (germline): Benign/Likely benign. Review status: criteria provided, multiple submitters, no conflicts (2 of 4 stars). 4 submissions from 4 submitters: Benign (1); Likely benign (3). Last evaluated 2026-04-30.

Conditions:
Colorectal cancer, hereditary nonpolyposis, type 7. Identifiers: Orphanet 144, MedGen C1858380, MONDO:0013725, OMIM 614385.

Allele frequency attached by ClinVar (database versions not stated): ExAC 0.00001; gnomAD exomes 0.00001.

Submissions (4):

Myriad Genetics, Inc.
Classification: Benign for Colorectal cancer, hereditary nonpolyposis, type 7. Last evaluated: 2026-04-30. Review status: criteria provided, single submitter. Criteria: Myriad Autosomal Dominant, Autosomal Recessive and X-Linked Classification Criteria (2023). Collection method: clinical testing. Allele origin: unknown.
Comment: This variant is considered benign. This variant is a silent/synonymous amino acid change and it is not expected to impact splicing.

Labcorp Genetics (formerly Invitae), Labcorp
Classification: Likely benign for Colorectal cancer, hereditary nonpolyposis, type 7. Last evaluated: 2026-01-11. Review status: criteria provided, single submitter. Criteria: Invitae Variant Classification Sherloc (09022015). Collection method: clinical testing. Allele origin: germline.

Blueprint Genetics
Classification: Likely benign. Last evaluated: 2023-09-19. Review status: criteria provided, single submitter. Criteria: ACMG Guidelines, 2015. Collection method: clinical testing. Allele origin: germline.

Ambry Genetics
Classification: Likely benign. Last evaluated: 2021-03-27. Review status: criteria provided, single submitter. Criteria: Ambry Variant Classification Scheme 2023. Collection method: clinical testing. Allele origin: germline.

NM_001040108.2(MLH3):c.1815C>T (p.Ser605=)

Gene: MLH3 (mutL homolog 3; minus strand). Cytogenetic location: 14q24.3.
Variant type: single nucleotide variant.
Coding change: c.1815C>T on transcript NM_001040108.2 (MANE Select); coding-DNA position 1815, C replaced by T.
Protein change: p.Ser605=; no amino-acid change (serine 605 retained).
Molecular consequence: synonymous variant.
Genome position (GRCh38, 1-based): chr14:75,047,841, G>A on the plus strand (C>T on the coding strand, the complement: MLH3 is on the minus strand). VCF-style: chr14-75047841-G-A. GRCh37 (hg19) VCF-style: chr14-75514544-G-A.
Other names: c.1815C>T, p.Ser605= (NM_014381.3).
Identifiers: ClinVar variation 1105902 (VCV001105902.13), dbSNP rs747865169, ClinGen allele CA7275811.
Genomic context (GRCh38, chr14:75,047,841, plus strand): 5'-ATGTTCTGTTTCAGTTGATTTAGTTTTTTCATTTTGTACTACATGAGTTATAAAGCCAGT[G>A]GAACATAATTTAACTCGCCCATAACTAAAAACATTTCTTCTTCCACAATTGCTAGATTCT-3'
Protein context (NP_001035197.1, residues 595-615): VFSYGRVKLC[Ser605=]TGFITHVVQN